The following is an entry in ClinVar:

NM_001122630.2(CDKN1C):c.45C>T (p.Arg15=)

Gene: CDKN1C (cyclin dependent kinase inhibitor 1C; minus strand). Cytogenetic location: 11p15.4.
Variant type: single nucleotide variant.
Coding change: c.45C>T on transcript NM_001122630.2 (MANE Select); coding-DNA position 45, C replaced by T.
Protein change: p.Arg15=; no amino-acid change (arginine 15 retained).
Molecular consequence: synonymous variant.
Genome position (GRCh38, 1-based): chr11:2,885,412, G>A on the plus strand (C>T on the coding strand, the complement: CDKN1C is on the minus strand). VCF-style: chr11-2885412-G-A. GRCh37 (hg19) VCF-style: chr11-2906642-G-A.
Other names: c.78C>T, p.Arg26= (NM_000076.2, NM_001362474.2, LRG_533t1); c.45C>T, p.Arg15= (NM_001122631.2, NM_001362475.2).
Identifiers: ClinVar variation 524736 (VCV000524736.33), dbSNP rs1360965916, ClinGen allele CA472483597.

ClinVar aggregate classification (germline): Conflicting classifications of pathogenicity. Review status: criteria provided, conflicting classifications (1 of 4 stars). 3 submissions from 3 submitters: Uncertain significance (1); Likely benign (2). Last evaluated 2024-10-29.

Conditions:
Beckwith-Wiedemann syndrome (BWS). Also called: Exomphalos macroglossia gigantism syndrome; EMG SYNDROME. Identifiers: Orphanet 116, MedGen C0004903, MONDO:0007534, OMIM 130650.
CDKN1C-related disorder. Also called: CDKN1C-related condition.

Allele frequency attached by ClinVar (database versions not stated): TOPMed below 0.00001; gnomAD exomes 0.00001; gnomAD 0.00002 and 0.00003.
gnomAD v4.1: 14 of 1,553,524 alleles (0.0009%); highest among the groups gnomAD compares: Admixed American, 0.019%; no homozygotes.

Submissions (3):

Labcorp Genetics (formerly Invitae), Labcorp
Classification: Likely benign for Beckwith-Wiedemann syndrome. Last evaluated: 2024-10-29. Review status: criteria provided, single submitter. Criteria: Invitae Variant Classification Sherloc (09022015). Collection method: clinical testing. Allele origin: germline.

CeGaT Center for Human Genetics Tuebingen
Classification: Likely benign. Last evaluated: 2024-03-01. Review status: criteria provided, single submitter. Criteria: CeGaT Center For Human Genetics Tuebingen Variant Classification Criteria Version 2. Collection method: clinical testing. Allele origin: germline. Affected: yes. Observed: 1 variant allele.
Comment: CDKN1C: BP4, BP7

PreventionGenetics, part of Exact Sciences
Classification: Uncertain significance for CDKN1C-related condition. Last evaluated: 2022-10-12. Review status: criteria provided, single submitter. Criteria: ACMG Guidelines, 2015. Collection method: clinical testing. Allele origin: germline.
Comment: The CDKN1C c.78C>T variant is not predicted to result in an amino acid change (p.=). This variant is predicted to interfere with splicing. To our knowledge, this variant has not been reported in the literature. It was observed in 1 out of ~31390 alleles in gnomAD. In ClinVar, this variant is interpreted as likely benign. At this time, the clinical significance of this variant is uncertain due to the absence of conclusive functional and genetic evidence.